The following is an entry in ClinVar:

ClinVar aggregate classification (germline): Pathogenic (1 of 4 stars; one submission).

Conditions:
Cardiac anomalies - developmental delay - facial dysmorphism syndrome (MRFACD). Also called: Impaired intellectual development and distinctive facial features with or without cardiac defects; MED13L Syndrome. Identifiers: Orphanet 369891, MedGen C5192431, MONDO:0014773, OMIM 616789.

Submission:

Institute of Human Genetics, FAU Erlangen, Friedrich-Alexander-Universität Erlangen-Nürnberg
Classification: Pathogenic for Cardiac anomalies - developmental delay - facial dysmorphism syndrome. Last evaluated: 2025-02-12. Review status: criteria provided, single submitter. Criteria: Hauer et al. (Genet Med. 2018). Collection method: clinical testing. Allele origin: germline. Inheritance: Autosomal dominant inheritance. Affected: yes. Observed: 1 variant allele.
Comment: This variant has been identified by standard clinical testing. Selected ACMG criteria: Pathogenic (I):PM2;PS2;PVS1

NM_015335.5(MED13L):c.1250dup (p.Thr418fs)

Gene: MED13L (mediator complex subunit 13L; minus strand). Cytogenetic location: 12q24.21.
Variant type: Duplication.
Coding change: c.1250dup on transcript NM_015335.5 (MANE Select); coding-DNA position 1250, one base duplicated (C; older notation c.1250dupC).
Protein change: p.Thr418fs; shifts the reading frame from threonine 418.
Molecular consequence: frameshift variant.
Genome position (GRCh38, 1-based): chr12:116,012,827, G duplicated on the plus strand (C on the coding strand, the reverse complement: MED13L is on the minus strand); the first of 2 consecutive G bases (chr12:116,012,827-116,012,828); duplicating either gives the same sequence. VCF-style (leftmost placement, unchanged base first): chr12-116012826-T-TG. GRCh37 (hg19) VCF-style: chr12-116450631-T-TG.
Other names: c.848dup (XM_047428608.1); short protein forms T418fs.
Identifiers: ClinVar variation 3603263 (VCV003603263.1).